The following is an entry in ClinVar:

ClinVar aggregate classification (germline): Uncertain significance (1 of 4 stars; one submission).

Conditions:
Arthrogryposis, distal, type 1A. Also called: ARTHROGRYPOSIS MULTIPLEX CONGENITA, DISTAL, TYPE I. Identifiers: Orphanet 1146, MedGen C6022280, MONDO:0007157, OMIM 108120.

Allele frequency attached by ClinVar (database versions not stated): TOPMed below 0.00001; gnomAD 0.00001; gnomAD exomes 0.00001.
gnomAD v4.1: 14 of 1,557,516 alleles (0.0009%); highest among the groups gnomAD compares: African/African-American, 0.0014%; no homozygotes.

Submission:

Labcorp Genetics (formerly Invitae), Labcorp
Classification: Uncertain significance for Arthrogryposis, distal, type 1A. Last evaluated: 2025-06-15. Review status: criteria provided, single submitter. Criteria: Invitae Variant Classification Sherloc (09022015). Collection method: clinical testing. Allele origin: germline.
Comment: This sequence change replaces leucine, which is neutral and non-polar, with phenylalanine, which is neutral and non-polar, at codon 278 of the TPM2 protein (p.Leu278Phe). This variant is present in population databases (no rsID available, gnomAD 0.006%). This variant has not been reported in the literature in individuals affected with TPM2-related conditions. ClinVar contains an entry for this variant (Variation ID: 2177874). Invitae Evidence Modeling of protein sequence and biophysical properties (such as structural, functional, and spatial information, amino acid conservation, physicochemical variation, residue mobility, and thermodynamic stability) indicates that this missense variant is not expected to disrupt TPM2 protein function with a negative predictive value of 80%. In summary, the available evidence is currently insufficient to determine the role of this variant in disease. Therefore, it has been classified as a Variant of Uncertain Significance.

NM_003289.4(TPM2):c.832C>T (p.Leu278Phe)

Gene: TPM2 (tropomyosin 2; minus strand). Cytogenetic location: 9p13.3.
Variant type: single nucleotide variant.
Coding change: c.832C>T on transcript NM_003289.4 (MANE Select); coding-DNA position 832, C replaced by T.
Protein change: p.Leu278Phe; replaces leucine 278 with phenylalanine.
Molecular consequence: missense variant. On other transcripts: intron variant (2).
Genome position (GRCh38, 1-based): chr9:35,683,182, G>A on the plus strand (C>T on the coding strand, the complement: TPM2 is on the minus strand). VCF-style: chr9-35683182-G-A. GRCh37 (hg19) VCF-style: chr9-35683179-G-A.
Other names: c.832C>T, p.Leu278Phe (NM_001301227.2); c.773-1019C>T (NM_213674.1, NM_001301226.2); short protein forms L278F.
Identifiers: ClinVar variation 2177874 (VCV002177874.4), dbSNP rs1204906995, ClinGen allele CA373362823.